The following is an entry in ClinVar:

ClinVar aggregate classification (germline): Pathogenic (1 of 4 stars; one submission).

Conditions:
Inborn genetic diseases. Identifiers: MedGen C0950123, MeSH D030342.

Submission:

Ambry Genetics
Classification: Pathogenic for Inborn genetic diseases. Last evaluated: 2021-08-25. Review status: criteria provided, single submitter. Criteria: Ambry Variant Classification Scheme 2023. Collection method: clinical testing. Allele origin: germline.
Comment: The c.1848_1858del11 (p.V617Tfs*12) alteration, located in exon 12 (coding exon 11) of the CTNNB1 gene, consists of a deletion of 11 nucleotides from position 1848 to 1858, causing a translational frameshift with a predicted alternate stop codon after 12 amino acids. This alteration is expected to result in loss of function by premature protein truncation or nonsense-mediated mRNA decay. This variant was not reported in population-based cohorts in the Genome Aggregation Database (gnomAD). Based on the available evidence, this alteration is classified as pathogenic.

NM_001904.4(CTNNB1):c.1848_1858del (p.Val617fs)

Gene: CTNNB1 (catenin beta 1; plus strand). Cytogenetic location: 3p22.1.
Variant type: Deletion.
Coding change: c.1848_1858del on transcript NM_001904.4 (MANE Select); coding-DNA positions 1848 to 1858, 11 bases deleted (GGTCCTCTGTG).
Protein change: p.Val617fs; shifts the reading frame from valine 617.
Molecular consequence: frameshift variant.
Genome position (GRCh38, 1-based): chr3:41,236,393-41,236,403, GGTCCTCTGTG deleted; deleting any 11 consecutive bases within chr3:41,236,392-41,236,403 gives the same sequence; the c. name uses the placement nearest the transcript's 3' end. VCF-style (leftmost placement, unchanged base first): chr3-41236391-GGGGTCCTCTGT-G. GRCh37 (hg19) VCF-style: chr3-41277882-GGGGTCCTCTGT-G.
Other names: c.1848_1858del, p.Val617fs (NM_001098209.2, NM_001098210.2); c.1827_1837del, p.Val610fs (NM_001330729.2); short protein forms V610fs, V617fs.
Identifiers: ClinVar variation 2237539 (VCV002237539.2), dbSNP rs2470847034, ClinGen allele CA2580069830.